The following is an entry in ClinVar:

ClinVar aggregate classification (germline): Benign. Review status: criteria provided, multiple submitters, no conflicts (2 of 4 stars). 3 submissions from 3 submitters: Benign (3). Last evaluated 2026-01-26.

Conditions:
Familial acute necrotizing encephalopathy (IIAE3). Also called: ENCEPHALOPATHY, ACUTE, INFECTION-INDUCED, SUSCEPTIBILITY TO, 3; Susceptibility to Acute Necrotizing Encephalopathy 1. Identifiers: Orphanet 88619, MedGen C2675556, MONDO:0011953, OMIM 608033.

Allele frequency attached by ClinVar (database versions not stated): gnomAD exomes 0.14102 and 0.15340; 1000 Genomes Project 30x 0.14522; 1000 Genomes Project 0.14637; TOPMed 0.15693; ExAC 0.15870; gnomAD 0.15939 and 0.16005.
gnomAD v4.1: 215,922 of 1,508,858 alleles (14%); highest among the groups gnomAD compares: South Asian, 16%; 22,013 homozygotes.

Submissions (3):

Labcorp Genetics (formerly Invitae), Labcorp
Classification: Benign for Familial acute necrotizing encephalopathy. Last evaluated: 2026-01-26. Review status: criteria provided, single submitter. Criteria: Invitae Variant Classification Sherloc (09022015). Collection method: clinical testing. Allele origin: germline.

GeneDx
Classification: Benign. Last evaluated: 2016-01-18. Review status: criteria provided, single submitter. Criteria: GeneDx Variant Classification (06012015). Collection method: clinical testing. Allele origin: germline. Affected: yes.
Comment: This variant is considered likely benign or benign based on one or more of the following criteria: it is a conservative change, it occurs at a poorly conserved position in the protein, it is predicted to be benign by multiple in silico algorithms, and/or has population frequency not consistent with disease.

Breakthrough Genomics
Classification: Benign. Review status: criteria provided, single submitter. Criteria: ACMG Guidelines, 2015. Collection method: not provided. Allele origin: germline. Inheritance: Autosomal dominant inheritance. Affected: yes.

NM_006267.5(RANBP2):c.1456-7A>G

Gene: RANBP2 (RAN binding protein 2; plus strand). Cytogenetic location: 2q13.
Variant type: single nucleotide variant.
Coding change: c.1456-7A>G on transcript NM_006267.5 (MANE Select); 7 bases into the intron before coding-DNA position 1456, A replaced by G.
Molecular consequence: intron variant.
Genome position (GRCh38, 1-based): chr2:108,751,521, A>G. VCF-style: chr2-108751521-A-G. GRCh37 (hg19) VCF-style: chr2-109367977-A-G.
Identifiers: ClinVar variation 380028 (VCV000380028.9), dbSNP rs144029181, ClinGen allele CA1822333.